The following is an entry in ClinVar:

ClinVar aggregate classification (germline): Pathogenic/Likely pathogenic. Review status: criteria provided, multiple submitters, no conflicts (2 of 4 stars). 2 submissions from 2 submitters: Pathogenic (1); Likely pathogenic (1). Last evaluated 2023-05-27.

Conditions:
Pituitary adenoma 5, multiple types. Identifiers: MedGen C4539685, MONDO:0054601, OMIM 617540.

Allele frequency attached by ClinVar (database versions not stated): gnomAD 0.00001.
gnomAD v4.1: 1 of 1,613,554 alleles (0.000062%); highest among the groups gnomAD compares: Non-Finnish European, 0.000085%; no homozygotes.

Submissions (2):

Baylor Genetics
Classification: Likely pathogenic for Pituitary adenoma 5, multiple types. Last evaluated: 2023-05-27. Review status: criteria provided, single submitter. Criteria: ACMG Guidelines, 2015. Collection method: clinical testing. Allele origin: unknown.

Labcorp Genetics (formerly Invitae), Labcorp
Classification: Pathogenic. Last evaluated: 2022-02-24. Review status: criteria provided, single submitter. Criteria: Invitae Variant Classification Sherloc (09022015). Collection method: clinical testing. Allele origin: germline.
Comment: This sequence change creates a premature translational stop signal (p.Tyr2633*) in the CDH23 gene. It is expected to result in an absent or disrupted protein product. Loss-of-function variants in CDH23 are known to be pathogenic (PMID: 11138009, 21940737). This variant is not present in population databases (gnomAD no frequency). This variant has not been reported in the literature in individuals affected with CDH23-related conditions. ClinVar contains an entry for this variant (Variation ID: 947267). Algorithms developed to predict the effect of sequence changes on RNA splicing suggest that this variant may create or strengthen a splice site. For these reasons, this variant has been classified as Pathogenic.

Literature cited by the submitters: PubMed 11138009 (cited by Labcorp Genetics (formerly Invitae), Labcorp); PubMed 21940737 (cited by Labcorp Genetics (formerly Invitae), Labcorp).

NM_022124.6(CDH23):c.7899C>G (p.Tyr2633Ter)

Genes: CDH23 (cadherin related 23; plus strand), LOC111982869 (Sharpr-MPRA regulatory region 2121; plus strand). Cytogenetic location: 10q22.1.
Variant type: single nucleotide variant.
Coding change: c.7899C>G on transcript NM_022124.6 (MANE Select); coding-DNA position 7899, C replaced by G.
Protein change: p.Tyr2633Ter; replaces tyrosine 2633 with a stop codon.
Molecular consequence: nonsense.
Genome position (GRCh38, 1-based): chr10:71,805,832, C>G. VCF-style: chr10-71805832-C-G. GRCh37 (hg19) VCF-style: chr10-73565589-C-G.
Other names: c.1179C>G, p.Tyr393Ter (NM_001171933.1, NM_001171934.1); short protein forms Y393*, Y2633*.
Identifiers: ClinVar variation 947267 (VCV000947267.8), dbSNP rs1375264465, ClinGen allele CA377161916.
Genomic context (GRCh38, chr10:71,805,832, plus strand): 5'-GGTCCAGGAGCCTTCCTCCCCATGCTCCCCACAGGAGATCCCGCTGCGCTCCAACGTGTA[C>G]GAGGTCTACGCCACGGACAAGGATGAGGGCCTCAACGGGGCGGTGCGCTACAGCTTCCTG-3'